The following is an entry in ClinVar:

ClinVar aggregate classification (germline): Uncertain significance (1 of 4 stars; one submission).

Submission:

GeneDx
Classification: Uncertain significance. Last evaluated: 2025-05-13. Review status: criteria provided, single submitter. Criteria: GeneDx Variant Classification Process June 2021. Collection method: clinical testing. Allele origin: germline. Affected: yes.
Comment: Not observed at significant frequency in large population cohorts (gnomAD); In silico analysis supports that this missense variant has a deleterious effect on protein structure/function; Has not been previously published as pathogenic or benign to our knowledge

NM_003470.3(USP7):c.400G>T (p.Ala134Ser)

Gene: USP7 (ubiquitin specific peptidase 7; minus strand). Cytogenetic location: 16p13.2.
Variant type: single nucleotide variant.
Coding change: c.400G>T on transcript NM_003470.3 (MANE Select); coding-DNA position 400, G replaced by T.
Protein change: p.Ala134Ser; replaces alanine 134 with serine.
Molecular consequence: missense variant. On other transcripts: non-coding transcript variant (1).
Genome position (GRCh38, 1-based): chr16:8,921,279, C>A on the plus strand (G>T on the coding strand, the complement: USP7 is on the minus strand). VCF-style: chr16-8921279-C-A. GRCh37 (hg19) VCF-style: chr16-9015136-C-A.
Other names: c.352G>T, p.Ala118Ser (NM_001286457.2); c.103G>T, p.Ala35Ser (NM_001286458.2); c.226G>T, p.Ala76Ser (NM_001321858.2); short protein forms A118S, A134S, A35S, A76S.
Identifiers: ClinVar variation 4529861 (VCV004529861.1).